The following continues an entry in ClinVar:

NM_000035.4(ALDOB):c.448G>C (p.Ala150Pro)

Gene: ALDOB. ClinVar aggregate classification (germline): Pathogenic/Likely pathogenic. Pathogenic (40); Likely pathogenic (1).

Submissions 31 to 50 of 50:

Genetic Services Laboratory, University of Chicago
Classification: Pathogenic. Last evaluated: 2019-11-27. Review status: criteria provided, single submitter. Criteria: ACMG Guidelines, 2015. Collection method: clinical testing. Allele origin: germline. Affected: yes.
Comment: DNA sequence analysis of the ALDOB gene demonstrated a sequence change, c.448G>C, in exon 5 that results in an amino acid change, p.Ala150Pro. This sequence change has been described in the gnomAD database with a population frequency of 0.49%, however, it has not been observed in homozygous state in any individuals (dbSNP rs1800546). This sequence change (alternatively reported as p.Ala149Pro) has previously been described in the homozygous or compound heterozygous states with another pathogenic variant, in individuals with hereditary fructose intolerance (PMID: 3383242, PMID: 27797444, PMID: 22975760, PMID: 26937407, PMID: 20162364) and is one of the most commonly reported ALDOB pathogenic variant in individuals of European ancestry. The p.Ala150Pro change affects a moderately conserved amino acid residue located in a domain of the ALDOB protein that is known to be functional. In vitro functional analyses showed that the p.Ala150Pro substitution has an impact on both substrate affinity and enzyme stability and wild type protein activity is reduced (PMID: 12417303, PMID: 12464284).

Myriad Genetics, Inc.
Classification: Pathogenic for Hereditary fructosuria. Last evaluated: 2019-11-12. Review status: criteria provided, single submitter. Criteria: Myriad Women's Health Autosomal Recessive and X-Linked Classification Criteria (2019). Collection method: clinical testing. Allele origin: unknown.
Comment: NM_000035.3(ALDOB):c.448G>C(A150P) is classified as pathogenic in the context of hereditary fructose intolerance. Sources cited for classification include the following: PMID 23114028, 11757579, 16406649, 15880727, 18541450, 3383242, 1967768, and 15532022. Classification of NM_000035.3(ALDOB):c.448G>C(A150P) is based on the following criteria: This is a well-established pathogenic variant in the literature that has been observed more frequently in patients with clinical diagnoses than in healthy populations. Please note: this variant was assessed in the context of healthy population screening.

Fulgent Genetics
Classification: Pathogenic for Hereditary fructosuria. Last evaluated: 2018-10-31. Review status: criteria provided, single submitter. Criteria: ACMG Guidelines, 2015. Collection method: clinical testing. Allele origin: unknown.

Eurofins Ntd Llc (ga)
Classification: Pathogenic. Last evaluated: 2018-07-17. Review status: criteria provided, single submitter. Criteria: EGL ClinVar v180209 classification definitions. Collection method: clinical testing. Allele origin: germline. Observed: 29 variant alleles, 23 heterozygotes, 2 homozygotes.

SIB Swiss Institute of Bioinformatics
Classification: Pathogenic for Hereditary fructosuria. Last evaluated: 2018-05-31. Review status: criteria provided, single submitter. Criteria: ACMG Guidelines, 2015. Collection method: curation. Allele origin: unknown.
Comment: This variant is interpreted as a Pathogenic, for Fructose intolerance, hereditary, in Autosomal Recessive manner. The following ACMG Tag(s) were applied: PM2 => Absent from controls (or at extremely low frequency if recessive) in Exome Sequencing Project, 1000 Genomes Project, or Exome Aggregation Consortium (PMID:18541450) (PMID:15880727) (PMID:16406649). PS4-Moderate => Recurrent mutation, found in various HFI patients from unrelated pedigrees. PP3 => Multiple lines of computational evidence support a deleterious effect on the gene or gene product. PS3 => Well-established functional studies show a deleterious effect. Severe reduction of aldolase activity towards fructose-1-phosphate (F-1-P) and fructose-1,6-bisphosphate (F-1,6-P2) measured in hepatic biopsies. In vitro expression studies confirm that the recombinant enzyme has defective activity (PMID:12417303) (PMID:12205126). PP1 => Cosegregation with disease in multiple affected family members in a gene definitively known to cause the disease (PMID:3383242).

Illumina Laboratory Services, Illumina
Classification: Pathogenic for Hereditary fructosuria. Last evaluated: 2018-05-17. Review status: criteria provided, single submitter. Criteria: ICSL Variant Classification Criteria 09 May 2019. Collection method: clinical testing. Allele origin: germline.
Comment: The ALDOB c.448G>C (p.Ala150Pro) variant is well-documented as one of the most common variants among patients with hereditary fructose intolerance in European and North American populations (Baker et al. 2015). Across a small selection of the available literature, the p.Ala150Pro variant was identified in a homozygous state in 44 patients, in a compound heterozygous state in 33 patients, and in a heterozygous state in three unaffected family members of a patient (Cross et al. 1988; Coffee et al. 2010). Control data are not reported in these studies for this variant, which is found at a frequency of 0.00895 in the European population from the 1000 Genomes Project. The ALDOB p.Ala150Pro variant protein, extracted from liver and intestinal tissues from a homozygous patient, showed a profound reduction in substrate affinity and specific activity when compared with control subjects (Cox et al. 1983), and in vitro functional studies of ALDOB variants demonstrated that the p.Ala150Pro variant protein was highly unstable with no detectable residual enzyme activity (Esposito et al. 2002). Based on the collective evidence, the p.Ala150Pro variant is classified as pathogenic for hereditary fructose intolerance. This variant was observed by ICSL as part of a predisposition screen in an ostensibly healthy population.

Women's Health and Genetics/Laboratory Corporation of America, LabCorp
Classification: Pathogenic for Hereditary fructosuria. Last evaluated: 2017-08-21. Review status: criteria provided, single submitter. Criteria: LabCorp Variant Classification Summary - May 2015. Collection method: clinical testing. Allele origin: germline.
Comment: Variant summary: The ALDOB c.448G>C (p.Ala150Pro) variant involves the alteration of a conserved nucleotide. 5/5 in silico tools predict a damaging outcome for this variant. This variant was found in 328/121396 control chromosomes at a frequency of 0.0027019, which does not exceed the estimated maximal expected allele frequency of a pathogenic ALDOB variant (0.0044721). The variant of interest has been reported in multiple affected individuals via publications. In addition, multiple clinical diagnostic laboratories/reputable databases classified this variant as pathogenic. Taken together, this variant is classified as pathogenic.

Center for Pediatric Genomic Medicine, Children's Mercy Hospital and Clinics
Classification: Pathogenic. Last evaluated: 2014-10-02. Review status: criteria provided, single submitter. Criteria: ACMG Guidelines, 2015. Collection method: clinical testing. Allele origin: germline.

Hadassah Hebrew University Medical Center
Classification: Pathogenic for Hereditary fructosuria. Review status: criteria provided, single submitter. Criteria: ACMG Guidelines, 2015. Collection method: research. Allele origin: germline. Affected: no. Observed: 2 variant alleles.

Kariminejad - Najmabadi Pathology & Genetics Center
Classification: Pathogenic for Hereditary fructosuria. Review status: criteria provided, single submitter. Criteria: ACMG Guidelines, 2015. Collection method: clinical testing. Allele origin: germline. Affected: no.

Rady Children's Institute for Genomic Medicine, Rady Children's Hospital San Diego
Classification: Pathogenic for FRUCTOSE INTOLERANCE, HEREDITARY. Review status: criteria provided, single submitter. Criteria: ACMG Guidelines, 2015. Collection method: clinical testing. Allele origin: germline. Affected: yes.
Comment: This variant (also referred to as p.Ala149Pro in the literature) has been previously reported in the homozygous or compound heterozygous state in individuals with hereditary fructose intolerance (PMID: 3383242, 8096362, 19768653, 15880727, 18541450, 27797444). The c.448G>C (p.Ala150Pro) variant is the most common pathogenic variant in ALDOB (PMID: 15733923). Functional studies show this variant reduces substrate affinity as well as enzyme thermal stability, quaternary structure, and activity (PMID:12417303, 12464284, 15733923). The c.448G>C (p.Ala150Pro) variant is present in the heterozygous state in the gnomAD population database at a frequency of 0.3% (874/282528) and is absent in the homozygous state. It is predicted by multiple in silico tools to have a deleterious effect on protein function. Based on the available evidence, the c.448G>C (p.Ala150Pro) variant is classified as Pathogenic.

ATS em Genética Clínica, Universidade Federal do Rio Grande do Sul
Classification: Pathogenic for Hereditary fructosuria. Last evaluated: 2021-03-18. Review status: no assertion criteria provided. Collection method: literature only. Allele origin: unknown. Affected: yes. Not counted in ClinVar's aggregate classification.

Biochemical Molecular Genetic Laboratory, King Abdulaziz Medical City
Classification: Pathogenic for Hereditary fructosuria. Last evaluated: 2019-01-29. Review status: no assertion criteria provided. Collection method: clinical testing. Allele origin: germline. Affected: yes. Not counted in ClinVar's aggregate classification.

OMIM
Classification: Pathogenic for FRUCTOSE INTOLERANCE, HEREDITARY. Last evaluated: 2008-08-01. Review status: no assertion criteria provided. Collection method: literature only. Allele origin: germline. Not counted in ClinVar's aggregate classification.

Bioscientia Institut fuer Medizinische Diagnostik GmbH, Sonic Healthcare
Classification: Pathogenic for Hereditary fructosuria. Review status: no assertion criteria provided. Collection method: clinical testing. Allele origin: germline. Affected: yes. Not counted in ClinVar's aggregate classification.

Clinical Genetics DNA and cytogenetics Diagnostics Lab, Erasmus MC, Erasmus Medical Center
Classification: Likely pathogenic. Review status: no assertion criteria provided. Collection method: clinical testing. Allele origin: germline. Affected: yes. Study: VKGL Data-share Consensus. Not counted in ClinVar's aggregate classification.

GeneReviews
No classification provided. Condition: Hereditary fructosuria. Review status: no classification provided. Collection method: literature only. Allele origin: germline. Not counted in ClinVar's aggregate classification.
Comment: One of the six most common HFI variants in US and European populations including Turkey, Spain, Central Europe, France, US, and Italy

Genome Diagnostics Laboratory, Amsterdam University Medical Center
Classification: Pathogenic. Review status: no assertion criteria provided. Collection method: clinical testing. Allele origin: germline. Affected: yes. Study: VKGL Data-share Consensus. Not counted in ClinVar's aggregate classification.

HFI Laboratory at Boston University, Boston University
Classification: Pathogenic for Hereditary fructosuria. Review status: no assertion criteria provided. Collection method: clinical testing. Allele origin: germline. Not counted in ClinVar's aggregate classification.

Joint Genome Diagnostic Labs from Nijmegen and Maastricht, Radboudumc and MUMC+
Classification: Pathogenic. Review status: no assertion criteria provided. Collection method: clinical testing. Allele origin: germline. Affected: yes. Study: VKGL Data-share Consensus. Not counted in ClinVar's aggregate classification.

Literature cited by the submitters: PubMed 12417303 (cited by 10 submitters); PubMed 3383242 (cited by 11 submitters); PubMed 32709737 (cited by Dasa); PubMed 23430936 (cited by 4 submitters); PubMed 26913919 (cited by Dasa); PubMed 18541450 (cited by 9 submitters); PubMed 8096362 (cited by Labcorp Genetics (formerly Invitae), Labcorp and OMIM); PubMed 15880727 (cited by 6 submitters); PubMed 19768653 (cited by 3 submitters); PubMed 27797444 (cited by Labcorp Genetics (formerly Invitae), Labcorp and 3billion); PubMed 12464284 (cited by 5 submitters); PubMed 15733923 (cited by 3 submitters); PubMed 20848650 (cited by Otogenetics); PubMed 35398868 (cited by Otogenetics); PubMed 16406649 (cited by 4 submitters); PubMed 29510902 (cited by 3billion and Mayo Clinic Laboratories, Mayo Clinic); PubMed 26937407 (cited by 3billion and Women's Health and Genetics/Laboratory Corporation of America, LabCorp); PubMed 20033295 (cited by 4 submitters); PubMed 26677512 (cited by Mayo Clinic Laboratories, Mayo Clinic and Illumina Laboratory Services, Illumina); PubMed 23114028 (cited by Myriad Genetics, Inc.); PubMed 11757579 (cited by 3 submitters); PubMed 1967768 (cited by Myriad Genetics, Inc. and OMIM); PubMed 15532022 (cited by Myriad Genetics, Inc.); PubMed 12205126 (cited by SIB Swiss Institute of Bioinformatics and GeneReviews); PubMed 6348085 (cited by Illumina Laboratory Services, Illumina); PubMed 2623136 (cited by OMIM).